The following is an entry in ClinVar:

ClinVar aggregate classification (germline): Uncertain significance (1 of 4 stars; one submission).

Conditions:
Primary ciliary dyskinesia. Also called: Ciliary dyskinesia. Identifiers: Orphanet 244, MedGen C0008780, MONDO:0016575, HP:0012265.

Allele frequency attached by ClinVar (database versions not stated): gnomAD 0.00001; gnomAD exomes 0.00001; TOPMed 0.00001; ExAC 0.00002; 1000 Genomes Project 30x 0.00016; 1000 Genomes Project 0.00020.
gnomAD v4.1: 21 of 1,608,684 alleles (0.0013%); highest among the groups gnomAD compares: East Asian, 0.013%; no homozygotes.

Submission:

Labcorp Genetics (formerly Invitae), Labcorp
Classification: Uncertain significance for Primary ciliary dyskinesia. Last evaluated: 2022-07-13. Review status: criteria provided, single submitter. Criteria: Invitae Variant Classification Sherloc (09022015). Collection method: clinical testing. Allele origin: germline.
Comment: This sequence change replaces glutamic acid, which is acidic and polar, with aspartic acid, which is acidic and polar, at codon 4435 of the DNAH8 protein (p.Glu4435Asp). This variant is present in population databases (rs181050326, gnomAD 0.02%). This variant has not been reported in the literature in individuals affected with DNAH8-related conditions. ClinVar contains an entry for this variant (Variation ID: 860988). Algorithms developed to predict the effect of missense changes on protein structure and function are either unavailable or do not agree on the potential impact of this missense change (SIFT: "Deleterious"; PolyPhen-2: "Not Available"; Align-GVGD: "Class C0"). In summary, the available evidence is currently insufficient to determine the role of this variant in disease. Therefore, it has been classified as a Variant of Uncertain Significance.

NM_001206927.2(DNAH8):c.13305G>T (p.Glu4435Asp)

Gene: DNAH8 (dynein axonemal heavy chain 8; plus strand). Cytogenetic location: 6p21.2.
Variant type: single nucleotide variant.
Coding change: c.13305G>T on transcript NM_001206927.2 (MANE Select); coding-DNA position 13305, G replaced by T.
Protein change: p.Glu4435Asp; replaces glutamic acid 4435 with aspartic acid.
Molecular consequence: missense variant.
Genome position (GRCh38, 1-based): chr6:39,008,904, G>T. VCF-style: chr6-39008904-G-T. GRCh37 (hg19) VCF-style: chr6-38976680-G-T.
Other names: c.12654G>T, p.Glu4218Asp (NM_001371.4); short protein forms E4218D, E4435D.
Identifiers: ClinVar variation 860988 (VCV000860988.7), dbSNP rs181050326, ClinGen allele CA3791633.